The following is an entry in ClinVar:

ClinVar aggregate classification (germline): Benign. Review status: criteria provided, multiple submitters, no conflicts (2 of 4 stars). 3 submissions from 3 submitters: Benign (2). 1 of the submissions does not count toward it. Last evaluated 2019-12-18.

Conditions:
NLRP2-related disorder. Also called: NLRP2-related condition.

Allele frequency attached by ClinVar (database versions not stated): gnomAD exomes 0.07114 and 0.10956; ESP Exome Variant Server 0.07568; ExAC 0.10154; gnomAD 0.11595 and 0.11866; TOPMed 0.12232; 1000 Genomes Project 30x 0.17848; 1000 Genomes Project 0.18291.
gnomAD v4.1: 121,886 of 1,589,428 alleles (7.7%); highest among the groups gnomAD compares: East Asian, 22%; 8,179 homozygotes.

Submissions (3):

GeneDx
Classification: Benign. Last evaluated: 2019-12-18. Review status: criteria provided, single submitter. Criteria: GeneDx Variant Classification Process June 2021. Collection method: clinical testing. Allele origin: germline. Affected: yes.

Breakthrough Genomics
Classification: Benign. Review status: criteria provided, single submitter. Criteria: ACMG Guidelines, 2015. Collection method: not provided. Allele origin: germline. Inheritance: Unknown mechanism. Affected: yes.

PreventionGenetics, part of Exact Sciences
Classification: Likely benign for NLRP2-related condition. Last evaluated: 2024-01-05. Review status: no assertion criteria provided. Collection method: clinical testing. Allele origin: germline. Not counted in ClinVar's aggregate classification.
Comment: This variant is classified as likely benign based on ACMG/AMP sequence variant interpretation guidelines (Richards et al. 2015 PMID: 25741868, with internal and published modifications).

NM_017852.5(NLRP2):c.1566A>G (p.Glu522=)

Gene: NLRP2 (NLR family pyrin domain containing 2; plus strand). Cytogenetic location: 19q13.42.
Variant type: single nucleotide variant.
Coding change: c.1566A>G on transcript NM_017852.5 (MANE Select); coding-DNA position 1566, A replaced by G.
Protein change: p.Glu522=; no amino-acid change (glutamic acid 522 retained).
Molecular consequence: synonymous variant. On other transcripts: non-coding transcript variant (1).
Genome position (GRCh38, 1-based): chr19:54,983,264, A>G. VCF-style: chr19-54983264-A-G. GRCh37 (hg19) VCF-style: chr19-55494632-A-G.
Other names: c.1566A>G, p.Glu522= (NM_001174081.3); c.1500A>G, p.Glu500= (NM_001174082.3); c.1497A>G, p.Glu499= (NM_001174083.2); c.1557A>G, p.Glu519= (NM_001348003.2); c.1566A>G (NM_001174081.2).
Identifiers: ClinVar variation 1287968 (VCV001287968.4), dbSNP rs3745905, ClinGen allele CA310104933.